The following is an entry in ClinVar:

NM_001754.5(RUNX1):c.261C>A (p.Gly87=)

Gene: RUNX1 (RUNX family transcription factor 1; minus strand). Cytogenetic location: 21q22.12.
Variant type: single nucleotide variant.
Coding change: c.261C>A on transcript NM_001754.5 (MANE Select); coding-DNA position 261, C replaced by A.
Protein change: p.Gly87=; no amino-acid change (glycine 87 retained).
Molecular consequence: synonymous variant.
Genome position (GRCh38, 1-based): chr21:34,886,933, G>T on the plus strand (C>A on the coding strand, the complement: RUNX1 is on the minus strand). VCF-style: chr21-34886933-G-T. GRCh37 (hg19) VCF-style: chr21-36259230-G-T.
Other names: NM_001754.5(RUNX1):c.261C>A; p.Gly87=; c.180C>A, p.Gly60= (NM_001001890.3, NM_001122607.2).
Identifiers: ClinVar variation 2731538 (VCV002731538.4), dbSNP rs2146410177, ClinGen allele CA512318874.
Genomic context (GRCh38, chr21:34,886,933, plus strand): 5'-GCGCCAGTGCGTAGGCAGCACGGAGCAGAGGAAGTTGGGGCTGTCGGTGCGCACCAGCTC[G>T]CCCGGGTGGTCGGCCAGCACCTCCACCATGCTGCGGTCGCCGCTCCTCAGCTTGCCGGCC-3'
Protein context (NP_001745.2, residues 77-97): SMVEVLADHP[Gly87=]ELVRTDSPNF

ClinVar aggregate classification (germline): Likely benign. Review status: reviewed by expert panel (3 of 4 stars). 2 submissions from 2 submitters: Likely benign (1). 1 of the submissions does not count toward it. Last evaluated 2024-09-18.

Conditions:
Hereditary thrombocytopenia and hematological cancer predisposition syndrome associated with RUNX1. Also called: Familial Platelet Disorder with Propensity to Acute Myelogenous Leukemia; Familial thrombocytopenia with propensity to acute myelogenous leukemia; PLATELET DISORDER, ASPIRIN-LIKE; RUNX1 Familial Platelet Disorder with Associated Myeloid Malignancies. Identifiers: Orphanet 71290, MedGen C1832388, MeSH C563324, MONDO:0100083, OMIM 601399.
Hereditary thrombocytopenia and hematologic cancer predisposition syndrome. Identifiers: Orphanet 71290, MedGen CN281654, MONDO:0011071.

Submissions (2):

ClinGen Myeloid Malignancy Variant Curation Expert Panel
Classification: Likely benign for Hereditary thrombocytopenia and hematologic cancer predisposition syndrome. Last evaluated: 2024-09-18. Review status: reviewed by expert panel. Criteria: ClinGen MyeloMalig ACMG Specifications v2. Collection method: curation. Allele origin: germline. Inheritance: Autosomal dominant inheritance.
Comment: NM_001754.5(RUNX1):c.261C>A (p.Gly87=) is a synonymous variant which is completely absent from all population databases with at least 20x coverage for RUNX1 (PM2_Supporting). This synonymous variant has a SpliceAI score ≤ 0.20 (0.0) (BP4). This variant has a SpliceAI score ≤ 0.20 (0.0) and evolutionary conservation algorithms predict the site as not being conserved (PhyloP score ≤ 2.0 (-0.30) (BP7). In summary, this variant meets criteria to be classified as likely benign. ACMG/AMP criteria applied, as specified by the Myeloid Malignancy Variant Curation Expert Panel for RUNX1: BP4, BP7, PM2_supporting.

Labcorp Genetics (formerly Invitae), Labcorp
Classification: Likely benign for Hereditary thrombocytopenia and hematological cancer predisposition syndrome associated with RUNX1. Last evaluated: 2023-05-05. Review status: criteria provided, single submitter. Criteria: Invitae Variant Classification Sherloc (09022015). Collection method: clinical testing. Allele origin: germline. Not counted in ClinVar's aggregate classification.